The following is an entry in ClinVar:

NM_014714.4(IFT140):c.146_147+2del

Genes: IFT140 (intraflagellar transport 140; minus strand), LOC105371046 (uncharacterized LOC105371046; plus strand). Cytogenetic location: 16p13.3.
Variant type: Deletion.
Coding change: c.146_147+2del on transcript NM_014714.4 (MANE Select); coding-DNA position 146 through the canonical splice donor site of the intron after coding-DNA position 147, 4 bases deleted (AAGT; older notation c.146_147+2delAAGT).
Molecular consequence: splice donor variant.
Genome position (GRCh38, 1-based): chr16:1,607,118-1,607,121, ACTT deleted on the plus strand (AAGT on the coding strand, the reverse complement: IFT140 is on the minus strand). VCF-style (leftmost placement, unchanged base first): chr16-1607117-CACTT-C. GRCh37 (hg19) VCF-style: chr16-1657118-CACTT-C.
Identifiers: ClinVar variation 1468187 (VCV001468187.6), dbSNP rs2142099151, ClinGen allele CA2573151492.

ClinVar aggregate classification (germline): Likely pathogenic (1 of 4 stars; one submission).

Conditions:
Saldino-Mainzer syndrome (SRTD9). Also called: Renal dysplasia, retinal pigmentary dystrophy, cerebellar ataxia and skeletal dysplasia; CONORENAL SYNDROME; SHORT-RIB THORACIC DYSPLASIA 9 WITHOUT POLYDACTYLY; short-rib thoracic dysplasia 9 with or without polydactyly. Identifiers: Orphanet 140969, MedGen C1849437, MONDO:0009964, OMIM 266920.

Allele frequency attached by ClinVar (database versions not stated): gnomAD exomes below 0.00001.

Submission:

Labcorp Genetics (formerly Invitae), Labcorp
Classification: Likely pathogenic for Saldino-Mainzer syndrome. Last evaluated: 2025-04-17. Review status: criteria provided, single submitter. Criteria: Invitae Variant Classification Sherloc (09022015). Collection method: clinical testing. Allele origin: germline.
Comment: This variant results in the deletion of part of exon 3 (c.146_147+2del) of the IFT140 gene. It is expected to disrupt RNA splicing. Variants that disrupt the donor or acceptor splice site typically lead to a loss of protein function (PMID: 16199547), and loss-of-function variants in IFT140 are known to be pathogenic (PMID: 22503633, 23418020, 24009529, 26216056). This variant is not present in population databases (gnomAD no frequency). This variant has not been reported in the literature in individuals affected with IFT140-related conditions. ClinVar contains an entry for this variant (Variation ID: 1468187). In summary, the currently available evidence indicates that the variant is pathogenic, but additional data are needed to prove that conclusively. Therefore, this variant has been classified as Likely Pathogenic.

Literature cited by the submitters: PubMed 16199547; PubMed 22503633; PubMed 23418020; PubMed 24009529; PubMed 26216056.